The following is an entry in ClinVar:

NM_006846.4(SPINK5):c.178A>G (p.Ile60Val)

Gene: SPINK5 (serine peptidase inhibitor Kazal type 5; plus strand). Cytogenetic location: 5q32.
Variant type: single nucleotide variant.
Coding change: c.178A>G on transcript NM_006846.4 (MANE Select); coding-DNA position 178, A replaced by G.
Protein change: p.Ile60Val; replaces isoleucine 60 with valine.
Molecular consequence: missense variant.
Genome position (GRCh38, 1-based): chr5:148,070,419, A>G. VCF-style: chr5-148070419-A-G. GRCh37 (hg19) VCF-style: chr5-147449982-A-G.
Other names: c.178A>G, p.Ile60Val (NM_001127698.2, NM_001127699.2); short protein forms I60V.
Identifiers: ClinVar variation 861968 (VCV000861968.7), dbSNP rs1438419399, ClinGen allele CA361888505.

ClinVar aggregate classification (germline): Uncertain significance (1 of 4 stars; one submission).

Conditions:
Netherton syndrome (NETH). Also called: NETHERTON DISEASE; ERYTHRODERMA, ICHTHYOSIFORM, WITH HYPOTRICHOSIS AND HYPER-IgE; COMEL-NETHERTON SYNDROME. Identifiers: Orphanet 634, MedGen C5574950, MONDO:0009735, OMIM 256500.

Allele frequency attached by ClinVar (database versions not stated): gnomAD exomes below 0.00001.
gnomAD v4.1: 5 of 1,612,802 alleles (0.00031%); highest among the groups gnomAD compares: Non-Finnish European, 0.00042%; no homozygotes.

Submission:

Labcorp Genetics (formerly Invitae), Labcorp
Classification: Uncertain significance for Ichthyosis linearis circumflexa. Last evaluated: 2021-09-02. Review status: criteria provided, single submitter. Criteria: Invitae Variant Classification Sherloc (09022015). Collection method: clinical testing. Allele origin: germline.
Comment: This sequence change replaces isoleucine with valine at codon 60 of the SPINK5 protein (p.Ile60Val). The isoleucine residue is moderately conserved and there is a small physicochemical difference between isoleucine and valine. This variant is not present in population databases (ExAC no frequency). This variant has not been reported in the literature in individuals affected with SPINK5-related conditions. Algorithms developed to predict the effect of missense changes on protein structure and function output the following: SIFT: "Tolerated"; PolyPhen-2: "Benign"; Align-GVGD: "Class C0". The valine amino acid residue is found in multiple mammalian species, which suggests that this missense change does not adversely affect protein function. In summary, the available evidence is currently insufficient to determine the role of this variant in disease. Therefore, it has been classified as a Variant of Uncertain Significance.